The following is an entry in ClinVar:

ClinVar aggregate classification (germline): Uncertain significance. Review status: criteria provided, multiple submitters, no conflicts (2 of 4 stars). 3 submissions from 3 submitters: Uncertain significance (3). Last evaluated 2026-06-24.

Conditions:
Retinitis pigmentosa 71 (RP71). Identifiers: Orphanet 791, MedGen C4225342, MONDO:0014618, OMIM 616394.
Bardet-Biedl syndrome 20. Identifiers: MedGen C4310707, MONDO:0023670, OMIM 619471, MONDO:0014926.
Short-rib thoracic dysplasia 10 with or without polydactyly (SRTD10). Identifiers: Orphanet 474, MedGen C3810175, MONDO:0014284, OMIM 615630.
IFT172-related disorder. Also called: IFT172-related condition; IFT172-related disorders.

gnomAD v4.1: 4 of 1,614,114 alleles (0.00025%); highest among the groups gnomAD compares: Non-Finnish European, 0.00034%; no homozygotes.

Submissions (3):

PreventionGenetics, part of Exact Sciences
Classification: Uncertain significance for IFT172-related condition. Last evaluated: 2026-06-24. Review status: criteria provided, single submitter. Criteria: ACMG Guidelines, 2015. Collection method: clinical testing. Allele origin: germline.
Comment: The IFT172 c.2915T>A variant is predicted to result in the amino acid substitution p.Val972Glu. To our knowledge, this variant has not been reported in the literature or in a large population database (gnomAD), indicating this variant is rare. At this time, the clinical significance of this variant is uncertain due to the absence of conclusive functional and genetic evidence.

Labcorp Genetics (formerly Invitae), Labcorp
Classification: Uncertain significance for Retinitis pigmentosa 71; Short-rib thoracic dysplasia 10 with or without polydactyly. Last evaluated: 2025-03-17. Review status: criteria provided, single submitter. Criteria: Invitae Variant Classification Sherloc (09022015). Collection method: clinical testing. Allele origin: germline.
Comment: This sequence change replaces valine, which is neutral and non-polar, with glutamic acid, which is acidic and polar, at codon 972 of the IFT172 protein (p.Val972Glu). This variant is not present in population databases (gnomAD no frequency). This variant has not been reported in the literature in individuals affected with IFT172-related conditions. ClinVar contains an entry for this variant (Variation ID: 1461265). Invitae Evidence Modeling of protein sequence and biophysical properties (such as structural, functional, and spatial information, amino acid conservation, physicochemical variation, residue mobility, and thermodynamic stability) indicates that this missense variant is not expected to disrupt IFT172 protein function with a negative predictive value of 95%. In summary, the available evidence is currently insufficient to determine the role of this variant in disease. Therefore, it has been classified as a Variant of Uncertain Significance.

Fulgent Genetics
Classification: Uncertain significance for Short-rib thoracic dysplasia 10 with or without polydactyly; Retinitis pigmentosa 71; Bardet-Biedl syndrome 20. Last evaluated: 2024-02-19. Review status: criteria provided, single submitter. Criteria: ACMG Guidelines, 2015. Collection method: clinical testing. Allele origin: germline.

NM_015662.3(IFT172):c.2915T>A (p.Val972Glu)

Gene: IFT172 (intraflagellar transport 172; minus strand). Cytogenetic location: 2p23.3.
Variant type: single nucleotide variant.
Coding change: c.2915T>A on transcript NM_015662.3 (MANE Select); coding-DNA position 2915, T replaced by A.
Protein change: p.Val972Glu; replaces valine 972 with glutamic acid.
Molecular consequence: missense variant.
Genome position (GRCh38, 1-based): chr2:27,458,186, A>T on the plus strand (T>A on the coding strand, the complement: IFT172 is on the minus strand). VCF-style: chr2-27458186-A-T. GRCh37 (hg19) VCF-style: chr2-27681053-A-T.
Other names: c.2915T>A (NM_015662.2); short protein forms V972E.
Identifiers: ClinVar variation 1461265 (VCV001461265.8), dbSNP rs2148498608, ClinGen allele CA346381227.